The following is an entry in ClinVar:

NM_001077365.2(POMT1):c.633C>G (p.Tyr211Ter)

Gene: POMT1 (protein O-mannosyltransferase 1; plus strand). Cytogenetic location: 9q34.13.
Variant type: single nucleotide variant.
Coding change: c.633C>G on transcript NM_001077365.2 (MANE Select); coding-DNA position 633, C replaced by G.
Protein change: p.Tyr211Ter; replaces tyrosine 211 with a stop codon.
Molecular consequence: nonsense. On other transcripts: non-coding transcript variant (10).
Genome position (GRCh38, 1-based): chr9:131,509,930, C>G. VCF-style: chr9-131509930-C-G. GRCh37 (hg19) VCF-style: chr9-134385317-C-G.
Other names: c.471C>G, p.Tyr157Ter (NM_001077366.2, NM_001353194.2, NM_001353197.2 and 3 more transcripts); c.633C>G, p.Tyr211Ter (NM_001136113.2, NM_001353193.2, NM_001374690.1 and 1 more transcripts); c.282C>G, p.Tyr94Ter (NM_001136114.2, NM_001353195.2, NM_001353199.2 and 2 more transcripts); c.543C>G, p.Tyr181Ter (NM_001353196.2); c.177C>G, p.Tyr59Ter (NM_001353200.2, NM_001374695.1); short protein forms Y157*, Y181*, Y211*, Y59*, Y94*.
Identifiers: ClinVar variation 1323489 (VCV001323489.8), dbSNP rs747129906, ClinGen allele CA5293362.
Genomic context (GRCh38, chr9:131,509,930, plus strand): 5'-CATGTTAACTCCATTTCTGTCATGTCTTTGCAGCATCAAGTACATGGGTGTGTTCACGTA[C>G]GTGCTCGTGCTGGGTGTTGCAGCTGTCCATGCCTGGCACCTGCTTGGAGACCAGACTTTG-3'

ClinVar aggregate classification (germline): Pathogenic. Review status: criteria provided, multiple submitters, no conflicts (2 of 4 stars). 2 submissions from 2 submitters: Pathogenic (2). Last evaluated 2025-10-22.

Conditions:
Walker-Warburg congenital muscular dystrophy. Also called: Muscular dystrophy-dystroglycanopathy, type A; Walker-Warburg syndrome. Identifiers: Orphanet 899, MedGen C0265221, MONDO:0000171.
Muscular dystrophy-dystroglycanopathy (congenital with impaired intellectual development), type B, 1. Also called: MUSCULAR DYSTROPHY, CONGENITAL, POMT1-RELATED; Muscular dystrophy-dystroglycanopathy (congenital with intellectual disability), type B1. Identifiers: MedGen C5436962, MONDO:0013159, OMIM 613155.
Autosomal recessive limb-girdle muscular dystrophy type 2K. Also called: MUSCULAR DYSTROPHY, LIMB-GIRDLE, TYPE 2K; MUSCULAR DYSTROPHY-DYSTROGLYCANOPATHY (LIMB-GIRDLE), TYPE C, 1. Identifiers: Orphanet 86812, MedGen C1836373, MONDO:0012248, OMIM 609308.

gnomAD v4.1: 3 of 1,614,108 alleles (0.00019%); highest among the groups gnomAD compares: African/African-American, 0.0013%; no homozygotes.

Submissions (2):

Labcorp Genetics (formerly Invitae), Labcorp
Classification: Pathogenic for Muscular dystrophy-dystroglycanopathy (congenital with impaired intellectual development), type B, 1; Walker-Warburg congenital muscular dystrophy; Autosomal recessive limb-girdle muscular dystrophy type 2K. Last evaluated: 2025-10-22. Review status: criteria provided, single submitter. Criteria: Invitae Variant Classification Sherloc (09022015). Collection method: clinical testing. Allele origin: germline.
Comment: This sequence change creates a premature translational stop signal (p.Tyr211*) in the POMT1 gene. It is expected to result in an absent or disrupted protein product. Loss-of-function variants in POMT1 are known to be pathogenic (PMID: 12369018, 15637732, 16575835). This variant is present in population databases (rs747129906, gnomAD 0.0009%). This variant has not been reported in the literature in individuals affected with POMT1-related conditions. ClinVar contains an entry for this variant (Variation ID: 1323489). Algorithms developed to predict the effect of sequence changes on RNA splicing suggest that this variant may disrupt the consensus splice site. For these reasons, this variant has been classified as Pathogenic.

Revvity Omics, Revvity
Classification: Pathogenic. Last evaluated: 2019-06-07. Review status: criteria provided, single submitter. Criteria: ACMG Guidelines, 2015. Collection method: clinical testing. Allele origin: germline.

Literature cited by the submitters: PubMed 12369018 (cited by Labcorp Genetics (formerly Invitae), Labcorp); PubMed 15637732 (cited by Labcorp Genetics (formerly Invitae), Labcorp); PubMed 16575835 (cited by Labcorp Genetics (formerly Invitae), Labcorp).